The following is an entry in ClinVar:

NM_145045.5(ODAD3):c.20G>T (p.Arg7Met)

Gene: ODAD3 (outer dynein arm docking complex subunit 3; minus strand). Cytogenetic location: 19p13.2.
Variant type: single nucleotide variant.
Coding change: c.20G>T on transcript NM_145045.5 (MANE Select); coding-DNA position 20, G replaced by T.
Protein change: p.Arg7Met; replaces arginine 7 with methionine.
Molecular consequence: missense variant. On other transcripts: intron variant (1).
Genome position (GRCh38, 1-based): chr19:11,434,997, C>A on the plus strand (G>T on the coding strand, the complement: ODAD3 is on the minus strand). VCF-style: chr19-11434997-C-A. GRCh37 (hg19) VCF-style: chr19-11545818-C-A.
Other names: c.20G>T, p.Arg7Met (NM_001302454.2); c.82+693G>T (NM_001302453.1); short protein forms R7M.
Identifiers: ClinVar variation 1997636 (VCV001997636.4), dbSNP rs1166438483, ClinGen allele CA404128811.

ClinVar aggregate classification (germline): Uncertain significance (1 of 4 stars; one submission).

Conditions:
Primary ciliary dyskinesia 30. Also called: CILIARY DYSKINESIA, PRIMARY, 30, WITH OR WITHOUT SITUS INVERSUS. Identifiers: Orphanet 244, MedGen C4015016, MONDO:0014465, OMIM 616037.

Submission:

Labcorp Genetics (formerly Invitae), Labcorp
Classification: Uncertain significance for Primary ciliary dyskinesia 30. Last evaluated: 2023-11-27. Review status: criteria provided, single submitter. Criteria: Invitae Variant Classification Sherloc (09022015). Collection method: clinical testing. Allele origin: germline.
Comment: This sequence change replaces arginine, which is basic and polar, with methionine, which is neutral and non-polar, at codon 7 of the CCDC151 protein (p.Arg7Met). This variant is not present in population databases (gnomAD no frequency). This variant has not been reported in the literature in individuals affected with CCDC151-related conditions. ClinVar contains an entry for this variant (Variation ID: 1997636). An algorithm developed to predict the effect of missense changes on protein structure and function (PolyPhen-2) suggests that this variant is likely to be disruptive. In summary, the available evidence is currently insufficient to determine the role of this variant in disease. Therefore, it has been classified as a Variant of Uncertain Significance.